The following is an entry in ClinVar:

NM_178170.3(NEK8):c.2036T>C (p.Leu679Pro)

Gene: NEK8 (NIMA related kinase 8; plus strand). Cytogenetic location: 17q11.2.
Variant type: single nucleotide variant.
Coding change: c.2036T>C on transcript NM_178170.3 (MANE Select); coding-DNA position 2036, T replaced by C.
Protein change: p.Leu679Pro; replaces leucine 679 with proline.
Molecular consequence: missense variant.
Genome position (GRCh38, 1-based): chr17:28,741,557, T>C. VCF-style: chr17-28741557-T-C. GRCh37 (hg19) VCF-style: chr17-27068575-T-C.
Other names: short protein forms L679P.
Identifiers: ClinVar variation 3343016 (VCV003343016.4).

ClinVar aggregate classification (germline): Uncertain significance. Review status: criteria provided, multiple submitters, no conflicts (2 of 4 stars). 4 submissions from 4 submitters: Uncertain significance (4). Last evaluated 2025-09-02.

Conditions:
NEK8-related disorder. Also called: NEK8-related condition.
Kidney failure. Identifiers: MedGen C0035078, MONDO:0001106.

gnomAD v4.1: 74 of 1,613,976 alleles (0.0046%); highest among the groups gnomAD compares: Non-Finnish European, 0.006%; no homozygotes.

Submissions (4):

Clinical Genetics Laboratory, Skane University Hospital Lund
Classification: Uncertain significance for Kidney failure. Last evaluated: 2025-09-02. Review status: criteria provided, single submitter. Criteria: ACMG Guidelines, 2015. Collection method: clinical testing. Allele origin: germline. Affected: yes.
Comment: ACMG criteria applied: PM2 (no homozygotes in gnomAD v4.1.0), PP3

PreventionGenetics, part of Exact Sciences
Classification: Uncertain significance for NEK8-related condition. Last evaluated: 2025-02-17. Review status: criteria provided, single submitter. Criteria: ACMG Guidelines, 2015. Collection method: clinical testing. Allele origin: germline.
Comment: The NEK8 c.2036T>C variant is predicted to result in the amino acid substitution p.Leu679Pro. To our knowledge, this variant has not been reported in the literature. This variant is reported in 0.031% of alleles in individuals of European (Non-Finnish) descent in gnomAD. At this time, the clinical significance of this variant is uncertain due to the absence of conclusive functional and genetic evidence.

GeneDx
Classification: Uncertain significance. Last evaluated: 2023-04-07. Review status: criteria provided, single submitter. Criteria: GeneDx Variant Classification Process June 2021. Collection method: clinical testing. Allele origin: germline. Affected: yes.
Comment: In silico analysis supports that this missense variant has a deleterious effect on protein structure/function; Has not been previously published as pathogenic or benign to our knowledge

Blueprint Genetics
Classification: Uncertain significance. Last evaluated: 2022-01-07. Review status: criteria provided, single submitter. Criteria: ACMG Guidelines, 2015. Collection method: clinical testing. Allele origin: germline.